The following is an entry in ClinVar:

NM_001035.3(RYR2):c.13829T>G (p.Leu4610Trp)

Gene: RYR2 (ryanodine receptor 2; plus strand). Cytogenetic location: 1q43.
Variant type: single nucleotide variant.
Coding change: c.13829T>G on transcript NM_001035.3 (MANE Select); coding-DNA position 13829, T replaced by G.
Protein change: p.Leu4610Trp; replaces leucine 4610 with tryptophan.
Molecular consequence: missense variant.
Genome position (GRCh38, 1-based): chr1:237,793,913, T>G. VCF-style: chr1-237793913-T-G. GRCh37 (hg19) VCF-style: chr1-237957213-T-G.
Other names: short protein forms L4610W.
Identifiers: ClinVar variation 4800127 (VCV004800127.1).

ClinVar aggregate classification (germline): Uncertain significance (1 of 4 stars; one submission).

Conditions:
Catecholaminergic polymorphic ventricular tachycardia 1. Also called: VENTRICULAR TACHYCARDIA, STRESS-INDUCED POLYMORPHIC 1; RYR2-Related Catecholaminergic Polymorphic Ventricular Tachycardia; VENTRICULAR TACHYCARDIA, CATECHOLAMINERGIC POLYMORPHIC, 1, WITH OR WITHOUT ATRIAL DYSFUNCTION AND/OR DILATED CARDIOMYOPATHY. Identifiers: Orphanet 3286, MedGen C1631597, MONDO:0011484, OMIM 604772.

Submission:

Labcorp Genetics (formerly Invitae), Labcorp
Classification: Uncertain significance for Catecholaminergic polymorphic ventricular tachycardia 1. Last evaluated: 2025-12-22. Review status: criteria provided, single submitter. Criteria: Invitae Variant Classification Sherloc (09022015). Collection method: clinical testing. Allele origin: germline.
Comment: This sequence change replaces leucine, which is neutral and non-polar, with tryptophan, which is neutral and slightly polar, at codon 4610 of the RYR2 protein (p.Leu4610Trp). This variant is not present in population databases (gnomAD no frequency). This variant has not been reported in the literature in individuals affected with RYR2-related conditions. Invitae Evidence Modeling of protein sequence and biophysical properties (such as structural, functional, and spatial information, amino acid conservation, physicochemical variation, residue mobility, and thermodynamic stability) indicates that this missense variant is expected to disrupt RYR2 protein function with a positive predictive value of 95%. In summary, the available evidence is currently insufficient to determine the role of this variant in disease. Therefore, it has been classified as a Variant of Uncertain Significance.